The following is an entry in ClinVar:

ClinVar aggregate classification (germline): Likely benign (0 of 4 stars; one submission).

Conditions:
LAMB2-related disorder. Also called: LAMB2-related condition.

Submission:

PreventionGenetics, part of Exact Sciences
Classification: Likely benign for LAMB2-related condition. Last evaluated: 2023-12-07. Review status: no assertion criteria provided. Collection method: clinical testing. Allele origin: germline.
Comment: This variant is classified as likely benign based on ACMG/AMP sequence variant interpretation guidelines (Richards et al. 2015 PMID: 25741868, with internal and published modifications).

NM_002292.4(LAMB2):c.1226-8G>C

Gene: LAMB2 (laminin subunit beta 2; minus strand). Cytogenetic location: 3p21.31.
Variant type: single nucleotide variant.
Coding change: c.1226-8G>C on transcript NM_002292.4 (MANE Select); 8 bases into the intron before coding-DNA position 1226, G replaced by C.
Molecular consequence: intron variant.
Genome position (GRCh38, 1-based): chr3:49,130,026, C>G on the plus strand (G>C on the coding strand, the complement: LAMB2 is on the minus strand). VCF-style: chr3-49130026-C-G. GRCh37 (hg19) VCF-style: chr3-49167459-C-G.
Identifiers: ClinVar variation 3037621 (VCV003037621.2), dbSNP rs2472552939, ClinGen allele CA2740094405.